The following is an entry in ClinVar:

NM_004655.4(AXIN2):c.-116-8C>T

Gene: AXIN2 (axin 2; minus strand). Cytogenetic location: 17q24.1.
Variant type: single nucleotide variant.
Coding change: c.-116-8C>T on transcript NM_004655.4 (MANE Select); 8 bases into the intron before 116 bases upstream of the start codon, C replaced by T.
Molecular consequence: intron variant.
Genome position (GRCh38, 1-based): chr17:65,558,744, G>A on the plus strand (C>T on the coding strand, the complement: AXIN2 is on the minus strand). VCF-style: chr17-65558744-G-A. GRCh37 (hg19) VCF-style: chr17-63554862-G-A.
Other names: c.-116-8C>T (NM_001363813.1).
Identifiers: ClinVar variation 682334 (VCV000682334.1), dbSNP rs1598120733, ClinGen allele CA915952184.
Genomic context (GRCh38, chr17:65,558,744, plus strand): 5'-GCGTGGTCTCTCTGTCTCTCTCAAGTCAGCAGGGGCTCATCTGAACCTCCTCTCTGGAAA[G>A]AAAAGGAAGGGGGGAGGTGGGGAGAGAGAAAAGGGTATTGATCTAATCAAAACCAGATCT-3'

ClinVar aggregate classification (germline): Likely benign (1 of 4 stars; one submission).

Allele frequency attached by ClinVar (database versions not stated): gnomAD exomes 0.00001.
gnomAD v4.1: 6 of 987,692 alleles (0.00061%); highest among the groups gnomAD compares: South Asian, 0.0069%; no homozygotes.

Submission:

GeneDx
Classification: Likely benign. Last evaluated: 2018-04-20. Review status: criteria provided, single submitter. Criteria: GeneDx Variant Classification (06012015). Collection method: clinical testing. Allele origin: germline. Affected: yes.
Comment: This variant is considered likely benign or benign based on one or more of the following criteria: it is a conservative change, it occurs at a poorly conserved position in the protein, it is predicted to be benign by multiple in silico algorithms, and/or has population frequency not consistent with disease.